The following is an entry in ClinVar:

NM_004958.4(MTOR):c.1240C>A (p.Gln414Lys)

Gene: MTOR (mechanistic target of rapamycin kinase; minus strand). Cytogenetic location: 1p36.22.
Variant type: single nucleotide variant.
Coding change: c.1240C>A on transcript NM_004958.4 (MANE Select); coding-DNA position 1240, C replaced by A.
Protein change: p.Gln414Lys; replaces glutamine 414 with lysine.
Molecular consequence: missense variant. On other transcripts: 5 prime UTR variant (1).
Genome position (GRCh38, 1-based): chr1:11,243,286, G>T on the plus strand (C>A on the coding strand, the complement: MTOR is on the minus strand). VCF-style: chr1-11243286-G-T. GRCh37 (hg19) VCF-style: chr1-11303343-G-T.
Other names: c.1240C>A, p.Gln414Lys (NM_001386500.1); c.-9C>A (NM_001386501.1); short protein forms Q414K.
Identifiers: ClinVar variation 2013046 (VCV002013046.4), dbSNP rs2523356387, ClinGen allele CA338397141.

ClinVar aggregate classification (germline): Uncertain significance (1 of 4 stars; one submission).

Submission:

Labcorp Genetics (formerly Invitae), Labcorp
Classification: Uncertain significance. Last evaluated: 2022-07-01. Review status: criteria provided, single submitter. Criteria: Invitae Variant Classification Sherloc (09022015). Collection method: clinical testing. Allele origin: germline.
Comment: In summary, the available evidence is currently insufficient to determine the role of this variant in disease. Therefore, it has been classified as a Variant of Uncertain Significance. Advanced modeling of protein sequence and biophysical properties (such as structural, functional, and spatial information, amino acid conservation, physicochemical variation, residue mobility, and thermodynamic stability) performed at Invitae indicates that this missense variant is not expected to disrupt MTOR protein function. This variant has not been reported in the literature in individuals affected with MTOR-related conditions. This variant is not present in population databases (gnomAD no frequency). This sequence change replaces glutamine, which is neutral and polar, with lysine, which is basic and polar, at codon 414 of the MTOR protein (p.Gln414Lys).